The following is an entry in ClinVar:

NM_002317.7(LOX):c.43C>T (p.Leu15Phe)

Genes: LOX (lysyl oxidase; minus strand), SRFBP1 (serum response factor binding protein 1; plus strand). Cytogenetic location: 5q23.1.
Variant type: single nucleotide variant.
Coding change: c.43C>T on transcript NM_002317.7 (MANE Select); coding-DNA position 43, C replaced by T.
Protein change: p.Leu15Phe; replaces leucine 15 with phenylalanine.
Molecular consequence: missense variant.
Genome position (GRCh38, 1-based): chr5:122,077,943, G>A on the plus strand (C>T on the coding strand, the complement: LOX is on the minus strand). VCF-style: chr5-122077943-G-A. GRCh37 (hg19) VCF-style: chr5-121413638-G-A.
Other names: short protein forms L15F.
Identifiers: ClinVar variation 2451962 (VCV002451962.2), dbSNP rs2532918526, ClinGen allele CA360878790.
Genomic context (GRCh38, chr5:122,077,943, plus strand): 5'-GCTCGCGCGGGGGCTGCTGTTGGCCGGCGGCGGGAGGGGCGCAGTGCACTAGCGCGCAGA[G>A]CTGCAAAGGCCCGAGCAGGAGCACGGTCCAGGCGAAGCGCATCACTCCTTTTGCCAGATT-3'
Protein context (NP_002308.2, residues 5-25): WTVLLLGPLQ[Leu15Phe]CALVHCAPPA

ClinVar aggregate classification (germline): Uncertain significance (1 of 4 stars; one submission).

Conditions:
Cardiovascular phenotype. Identifiers: MedGen CN230736.

Allele frequency attached by ClinVar (database versions not stated): gnomAD exomes below 0.00001.
gnomAD v4.1: 1 of 1,492,428 alleles (0.000067%); highest among the groups gnomAD compares: Non-Finnish European, 0.000088%; no homozygotes.

Submission:

Ambry Genetics
Classification: Uncertain significance for Cardiovascular phenotype. Last evaluated: 2022-12-13. Review status: criteria provided, single submitter. Criteria: Ambry Variant Classification Scheme 2023. Collection method: clinical testing. Allele origin: germline.
Comment: The p.L15F variant (also known as c.43C>T), located in coding exon 1 of the LOX gene, results from a C to T substitution at nucleotide position 43. The leucine at codon 15 is replaced by phenylalanine, an amino acid with highly similar properties. This amino acid position is conserved. In addition, this alteration is predicted to be tolerated by in silico analysis. Since supporting evidence is limited at this time, the clinical significance of this alteration remains unclear.